The following is an entry in ClinVar:

NM_001376.5(DYNC1H1):c.6376G>A (p.Glu2126Lys)

Gene: DYNC1H1 (dynein cytoplasmic 1 heavy chain 1; plus strand). Cytogenetic location: 14q32.31.
Variant type: single nucleotide variant.
Coding change: c.6376G>A on transcript NM_001376.5 (MANE Select); coding-DNA position 6376, G replaced by A.
Protein change: p.Glu2126Lys; replaces glutamic acid 2126 with lysine.
Molecular consequence: missense variant.
Genome position (GRCh38, 1-based): chr14:102,010,430, G>A. VCF-style: chr14-102010430-G-A. GRCh37 (hg19) VCF-style: chr14-102476767-G-A.
Other names: short protein forms E2126K.
Identifiers: ClinVar variation 2094651 (VCV002094651.4), dbSNP rs2503752185, ClinGen allele CA391054907.
Genomic context (GRCh38, chr14:102,010,430, plus strand): 5'-GAGAGAATCCAGAAGATAAAGAGGGAGAAAGAGGAACGAGGGGAAGCAGTTGATGAAGGA[G>A]AAATTGCTGAAAATCTCCCTGAACAAGAGGTTCGTTACAAACGTTTTGATCACTCAAACC-3'
Protein context (NP_001367.2, residues 2116-2136): EERGEAVDEG[Glu2126Lys]IAENLPEQEI

ClinVar aggregate classification (germline): Uncertain significance (1 of 4 stars; one submission).

Conditions:
Charcot-Marie-Tooth disease axonal type 2O. Also called: CHARCOT-MARIE-TOOTH NEUROPATHY, AXONAL, TYPE 2O; CHARCOT-MARIE-TOOTH DISEASE, AXONAL, AUTOSOMAL DOMINANT, TYPE 2O; Charcot-Marie-Tooth disease, axonal, type 20; Charcot-Marie-Tooth Neuropathy Type 2O. Identifiers: Orphanet 284232, MedGen C3280220, MONDO:0013644, OMIM 614228.

Submission:

Labcorp Genetics (formerly Invitae), Labcorp
Classification: Uncertain significance for Charcot-Marie-Tooth disease axonal type 2O. Last evaluated: 2024-02-05. Review status: criteria provided, single submitter. Criteria: Invitae Variant Classification Sherloc (09022015). Collection method: clinical testing. Allele origin: germline.
Comment: This sequence change replaces glutamic acid, which is acidic and polar, with lysine, which is basic and polar, at codon 2126 of the DYNC1H1 protein (p.Glu2126Lys). This variant is not present in population databases (gnomAD no frequency). This variant has not been reported in the literature in individuals affected with DYNC1H1-related conditions. ClinVar contains an entry for this variant (Variation ID: 2094651). Advanced modeling of protein sequence and biophysical properties (such as structural, functional, and spatial information, amino acid conservation, physicochemical variation, residue mobility, and thermodynamic stability) performed at Invitae indicates that this missense variant is not expected to disrupt DYNC1H1 protein function with a negative predictive value of 95%. In summary, the available evidence is currently insufficient to determine the role of this variant in disease. Therefore, it has been classified as a Variant of Uncertain Significance.